The following is an entry in ClinVar:

NM_001365088.1(SLC12A6):c.289A>T (p.Ile97Phe)

Gene: SLC12A6 (solute carrier family 12 member 6; minus strand). Cytogenetic location: 15q14.
Variant type: single nucleotide variant.
Coding change: c.289A>T on transcript NM_001365088.1 (MANE Select); coding-DNA position 289, A replaced by T.
Protein change: p.Ile97Phe; replaces isoleucine 97 with phenylalanine.
Molecular consequence: missense variant. On other transcripts: genic downstream transcript variant (1).
Genome position (GRCh38, 1-based): chr15:34,275,372, T>A on the plus strand (A>T on the coding strand, the complement: SLC12A6 is on the minus strand). VCF-style: chr15-34275372-T-A. GRCh37 (hg19) VCF-style: chr15-34567573-T-A.
Other names: c.112A>T, p.Ile38Phe (NM_001042494.2, NM_001042495.2); c.262A>T, p.Ile88Phe (NM_001042496.2); c.136A>T, p.Ile46Phe (NM_005135.2); c.289A>T, p.Ile97Phe (NM_133647.2); c.272-14352A>T (NM_001042497.2); short protein forms I46F, I88F, I97F, I38F.
Identifiers: ClinVar variation 2180462 (VCV002180462.1), dbSNP rs762859105, ClinGen allele CA7464629.

ClinVar aggregate classification (germline): Uncertain significance (1 of 4 stars; one submission).

gnomAD v4.1: 31 of 1,543,856 alleles (0.002%); highest among the groups gnomAD compares: South Asian, 0.035%; no homozygotes.

Submission:

Labcorp Genetics (formerly Invitae), Labcorp
Classification: Uncertain significance. Last evaluated: 2022-02-06. Review status: criteria provided, single submitter. Criteria: Invitae Variant Classification Sherloc (09022015). Collection method: clinical testing. Allele origin: germline.
Comment: This sequence change replaces isoleucine, which is neutral and non-polar, with phenylalanine, which is neutral and non-polar, at codon 97 of the SLC12A6 protein (p.Ile97Phe). This variant is present in population databases (rs762859105, gnomAD 0.03%). This variant has not been reported in the literature in individuals affected with SLC12A6-related conditions. Advanced modeling of protein sequence and biophysical properties (such as structural, functional, and spatial information, amino acid conservation, physicochemical variation, residue mobility, and thermodynamic stability) performed at Invitae indicates that this missense variant is not expected to disrupt SLC12A6 protein function. In summary, the available evidence is currently insufficient to determine the role of this variant in disease. Therefore, it has been classified as a Variant of Uncertain Significance.